The following is an entry in ClinVar:

NM_004380.3(CREBBP):c.6826C>A (p.Gln2276Lys)

Gene: CREBBP (CREB binding lysine acetyltransferase; minus strand). Cytogenetic location: 16p13.3.
Variant type: single nucleotide variant.
Coding change: c.6826C>A on transcript NM_004380.3 (MANE Select); coding-DNA position 6826, C replaced by A.
Protein change: p.Gln2276Lys; replaces glutamine 2276 with lysine.
Molecular consequence: missense variant.
Genome position (GRCh38, 1-based): chr16:3,728,221, G>T on the plus strand (C>A on the coding strand, the complement: CREBBP is on the minus strand). VCF-style: chr16-3728221-G-T. GRCh37 (hg19) VCF-style: chr16-3778222-G-T.
Other names: c.6712C>A, p.Gln2238Lys (NM_001079846.1); short protein forms Q2238K, Q2276K.
Identifiers: ClinVar variation 4991217 (VCV004991217.1).
Genomic context (GRCh38, chr16:3,728,221, plus strand): 5'-GAATCCGCTGCTGCAGGGCTTGCTGGATGTTGGGGGTGCTGTCTGCCCCCAGCCCCGGCT[G>T]CCCCATCTGGCCAAGCTGTCCCATCTGAGCCGCCATCTGGCCCATGGAGCTGCCCTGGAG-3'
Protein context (NP_004371.2, residues 2266-2286): AQMGQLGQMG[Gln2276Lys]PGLGADSTPN

ClinVar aggregate classification (germline): Uncertain significance (1 of 4 stars; one submission).

Conditions:
CREBBP-related disorder. Also called: CREBBP-related condition; CREBBP-related disorders.

Submission:

PreventionGenetics, part of Exact Sciences
Classification: Uncertain significance for CREBBP-related condition. Last evaluated: 2026-09-09. Review status: criteria provided, single submitter. Criteria: ACMG Guidelines, 2015. Collection method: clinical testing. Allele origin: germline.
Comment: The CREBBP c.6826C>A variant is predicted to result in the amino acid substitution p.Gln2276Lys. To our knowledge, this variant has not been reported in the literature or in a large population database (gnomAD), indicating this variant is rare. At this time, the clinical significance of this variant is uncertain due to the absence of conclusive functional and genetic evidence.